The following is an entry in ClinVar:

ClinVar aggregate classification (germline): Uncertain significance (1 of 4 stars; one submission).

Conditions:
Hereditary nonpolyposis colorectal neoplasms. Identifiers: MedGen C0009405, MeSH D003123.

Submission:

Labcorp Genetics (formerly Invitae), Labcorp
Classification: Uncertain significance for Hereditary nonpolyposis colorectal neoplasms. Last evaluated: 2018-08-27. Review status: criteria provided, single submitter. Criteria: Invitae Variant Classification Sherloc (09022015). Collection method: clinical testing. Allele origin: germline.
Comment: In summary, the available evidence is currently insufficient to determine the role of this variant in disease. Therefore, it has been classified as a Variant of Uncertain Significance. Algorithms developed to predict the effect of missense changes on protein structure and function (SIFT, PolyPhen-2, Align-GVGD) all suggest that this variant is likely to be disruptive, but these predictions have not been confirmed by published functional studies and their clinical significance is uncertain. This variant has not been reported in the literature in individuals with MSH6-related disease. This variant is not present in population databases (ExAC no frequency). This sequence change replaces tyrosine with asparagine at codon 1298 of the MSH6 protein (p.Tyr1298Asn). The tyrosine residue is highly conserved and there is a large physicochemical difference between tyrosine and asparagine.

NM_000179.3(MSH6):c.3892T>A (p.Tyr1298Asn)

Gene: MSH6 (mutS homolog 6; plus strand). Cytogenetic location: 2p16.3.
Variant type: single nucleotide variant.
Coding change: c.3892T>A on transcript NM_000179.3 (MANE Select); coding-DNA position 3892, T replaced by A.
Protein change: p.Tyr1298Asn; replaces tyrosine 1298 with asparagine.
Molecular consequence: missense variant.
Genome position (GRCh38, 1-based): chr2:47,806,542, T>A. VCF-style: chr2-47806542-T-A. GRCh37 (hg19) VCF-style: chr2-48033681-T-A.
Other names: c.3502T>A, p.Tyr1168Asn (NM_001281492.2); c.2986T>A, p.Tyr996Asn (NM_001281493.2, NM_001281494.2); short protein forms Y1168N, Y1298N, Y996N.
Identifiers: ClinVar variation 665759 (VCV000665759.9), dbSNP rs1572747027, ClinGen allele CA346761400.